The following is an entry in ClinVar:

NM_003072.5(SMARCA4):c.2374C>G (p.Leu792Val)

Gene: SMARCA4 (SWI/SNF related BAF chromatin remodeling complex subunit ATPase 4; plus strand). Cytogenetic location: 19p13.2.
Variant type: single nucleotide variant.
Coding change: c.2374C>G on transcript NM_003072.5 (MANE Select); coding-DNA position 2374, C replaced by G.
Protein change: p.Leu792Val; replaces leucine 792 with valine.
Molecular consequence: missense variant. On other transcripts: non-coding transcript variant (1).
Genome position (GRCh38, 1-based): chr19:11,013,048, C>G. VCF-style: chr19-11013048-C-G. GRCh37 (hg19) VCF-style: chr19-11123724-C-G.
Other names: c.2374C>G, p.Leu792Val (NM_001128844.3, NM_001128845.2, NM_001128846.2 and 5 more transcripts); short protein forms L792V.
Identifiers: ClinVar variation 1412725 (VCV001412725.8), dbSNP rs2146279816, ClinGen allele CA404053220.

ClinVar aggregate classification (germline): Uncertain significance. Review status: criteria provided, multiple submitters, no conflicts (2 of 4 stars). 2 submissions from 2 submitters: Uncertain significance (2). Last evaluated 2023-12-07.

Conditions:
Rhabdoid tumor predisposition syndrome 2 (RTPS2). Identifiers: Orphanet 231108, Orphanet 69077, MedGen C2750074, MONDO:0013224, OMIM 613325.
Hereditary cancer-predisposing syndrome. Also called: Hereditary Cancer Syndrome; Tumor predisposition; Hereditary neoplastic syndrome; Neoplastic Syndromes, Hereditary. Identifiers: Orphanet 140162, MedGen C0027672, MeSH D009386, MONDO:0015356.

Submissions (2):

Labcorp Genetics (formerly Invitae), Labcorp
Classification: Uncertain significance for Rhabdoid tumor predisposition syndrome 2. Last evaluated: 2023-12-07. Review status: criteria provided, single submitter. Criteria: Invitae Variant Classification Sherloc (09022015). Collection method: clinical testing. Allele origin: germline.
Comment: This sequence change replaces leucine, which is neutral and non-polar, with valine, which is neutral and non-polar, at codon 792 of the SMARCA4 protein (p.Leu792Val). This variant is not present in population databases (gnomAD no frequency). This variant has not been reported in the literature in individuals affected with SMARCA4-related conditions. ClinVar contains an entry for this variant (Variation ID: 1412725). Advanced modeling of protein sequence and biophysical properties (such as structural, functional, and spatial information, amino acid conservation, physicochemical variation, residue mobility, and thermodynamic stability) has been performed at Invitae for this missense variant, however the output from this modeling did not meet the statistical confidence thresholds required to predict the impact of this variant on SMARCA4 protein function. In summary, the available evidence is currently insufficient to determine the role of this variant in disease. Therefore, it has been classified as a Variant of Uncertain Significance.

Ambry Genetics
Classification: Uncertain significance for Hereditary cancer-predisposing syndrome. Last evaluated: 2022-03-22. Review status: criteria provided, single submitter. Criteria: Ambry Variant Classification Scheme 2023. Collection method: clinical testing. Allele origin: germline.
Comment: The p.L792V variant (also known as c.2374C>G), located in coding exon 15 of the SMARCA4 gene, results from a C to G substitution at nucleotide position 2374. The leucine at codon 792 is replaced by valine, an amino acid with highly similar properties. This amino acid position is highly conserved in available vertebrate species. In addition, the in silico prediction for this alteration is inconclusive. Missense and in-frame variants in SMARCA4 are known to cause neurodevelopmental disorders; however, such associations with rhabdoid tumor predisposition syndrome including small cell carcinoma of the ovary-hypercalcemic type (SCCOHT) are exceedingly rare (Kosho T et al. Am J Med Genet C Semin Med Genet. 2014 Sep;166C(3):262-75; Jelinic P et al. Nat Genet. 2014 May;46(5):424-6). Since supporting evidence is limited at this time, the clinical significance of this alteration remains unclear.